The following is an entry in ClinVar:

NM_001127222.2(CACNA1A):c.5021del (p.Gly1674fs)

Gene: CACNA1A (calcium voltage-gated channel subunit alpha1 A; minus strand). Cytogenetic location: 19p13.13.
Variant type: Deletion.
Coding change: c.5021del on transcript NM_001127222.2 (MANE Select); coding-DNA position 5021, one base deleted (G; older notation c.5021delG).
Protein change: p.Gly1674fs; shifts the reading frame from glycine 1674.
Molecular consequence: frameshift variant.
Genome position (GRCh38, 1-based): chr19:13,235,660, C deleted on the plus strand (G on the coding strand, the reverse complement: CACNA1A is on the minus strand); the first of 3 consecutive C bases (chr19:13,235,660-13,235,662); deleting any one gives the same sequence. VCF-style (leftmost placement, unchanged base first): chr19-13235659-AC-A. GRCh37 (hg19) VCF-style: chr19-13346473-AC-A.
Other names: c.5039del, p.Gly1680fs (NM_000068.4, NM_023035.3); c.5024del, p.Gly1675fs (NM_001127221.2); c.5030del, p.Gly1677fs (NM_001174080.2); c.5024delG (NM_001127221.1); short protein forms G1674fs, G1675fs, G1677fs, G1680fs.
Identifiers: ClinVar variation 1805740 (VCV001805740.2), dbSNP rs2512649193, ClinGen allele CA923726183.

ClinVar aggregate classification (germline): Pathogenic/Likely pathogenic. Review status: criteria provided, multiple submitters, no conflicts (2 of 4 stars). 2 submissions from 2 submitters: Pathogenic (1); Likely pathogenic (1). Last evaluated 2021-05-12.

Conditions:
CACNA1A-related disorder. Also called: CACNA1A-related condition.
Developmental and epileptic encephalopathy, 42 (DEE42A). Also called: Epileptic encephalopathy, early infantile, 42; DEVELOPMENTAL AND EPILEPTIC ENCEPHALOPATHY 42A; EPILEPTIC ENCEPHALOPATHY, EARLY INFANTILE, 42A. Identifiers: MedGen C4310716, MONDO:0014917, OMIM 617106.

Submissions (2):

Blueprint Genetics
Classification: Likely pathogenic for CACNA1A-related disorders. Last evaluated: 2021-05-12. Review status: criteria provided, single submitter. Criteria: ACMG Guidelines, 2015. Collection method: clinical testing. Allele origin: germline. Affected: yes. Observed: 1 variant allele.

Victorian Clinical Genetics Services, Murdoch Childrens Research Institute
Classification: Pathogenic for Developmental and epileptic encephalopathy, 42. Last evaluated: 2020-05-21. Review status: criteria provided, single submitter. Criteria: ACMG Guidelines, 2015. Collection method: clinical testing. Allele origin: germline. Inheritance: Autosomal dominant inheritance. Affected: yes.
Comment: Based on the classification scheme VCGS_Germline_v1.1.1, this variant is classified as 5-Pathogenic. Following criteria are met: 0103 - Both loss- and gain-of-function are known mechanisms of disease for this gene (PMID: 31468518). (N) 0107 - Loss of function variants in this gene is known to be associated with autosomal dominant episodic ataxia, type 2 (OMIM). (N) 0112 - Variants in this gene are known to have reduced penetrance (OMIM; PMID: 20129625). (N) 0205 - Variant is predicted to result in a truncated protein with less than 1/3 of the protein affected (exon 32 of 47). (P) 0251 - Variant is heterozygous. (N) 0301 - Variant is absent from gnomAD. (P) 0600 - Variant is located in an ion transport domain (NCBI conserved domain). (P) 0702 - Comparable variants have very strong previous evidence for pathogenicity. Multiple downstream pathogenic truncating variants have been reported (ClinVar; PMID: 28566750, 20129625, 18606230). (P) 0807 - Variant has not previously been reported in a clinical context. (N) 0905 - No segregation evidence has been identified for this variant. (N) 1007 - No published functional evidence has been identified for this variant. (N) 1208 - Inheritance information for this variant is not currently available. (N) Legend: (P) - Pathogenic, (N) - Neutral, (B) - Benign

Literature cited by the submitters: PubMed 18606230 (cited by Victorian Clinical Genetics Services, Murdoch Childrens Research Institute); PubMed 20129625 (cited by Victorian Clinical Genetics Services, Murdoch Childrens Research Institute); PubMed 28566750 (cited by Victorian Clinical Genetics Services, Murdoch Childrens Research Institute); PubMed 31468518 (cited by Victorian Clinical Genetics Services, Murdoch Childrens Research Institute).